The following is an entry in ClinVar:

NC_012920.1(MT-CYB):m.15479T>C

Gene: MT-CYB (mitochondrially encoded cytochrome b; plus strand).
Variant type: single nucleotide variant.
Genome position: chrM-15479-T-C.
Identifiers: ClinVar variation 693890 (VCV000693890.1), dbSNP rs202008188, ClinGen allele CA337100413.
Genomic context (GRCh38, chrMT:15,479, plus strand): 5'-ACAATCAAAGACGCCCTCGGCTTACTTCTCTTCCTTCTCTCCTTAATGACATTAACACTA[T>C]TCTCACCAGACCTCCTAGGCGACCCAGACAATTATACCCTAGCCAACCCCTTAAACACCC-3'

ClinVar aggregate classification (germline): Benign (1 of 4 stars; one submission).

Conditions:
Leigh syndrome (NULS). Also called: Leigh's necrotizing encephalopathy; Leigh's disease; Leigh's syndrome; LEIGH SYNDROME, NUCLEAR; Leigh Syndrome (mtDNA deletion); Leigh Disease. Identifiers: Orphanet 506, MedGen C2931891, MONDO:0009723, OMIM 256000.

Submission:

Wong Mito Lab, Molecular and Human Genetics, Baylor College of Medicine
Classification: Benign for Leigh syndrome. Last evaluated: 2019-10-17. Review status: criteria provided, single submitter. Criteria: Modified ACMG Guidelines (Unpublished). Collection method: clinical testing. Allele origin: germline.
Comment: The NC_012920.1:m.15479T>C (YP_003024038.1:p.Phe245Leu) variant in MTCYB gene is interpretated to be a Benign variant based on the modified ACMG guidelines (unpublished). This variant meets the following evidence codes: BS1, BS2, BP4